The following is an entry in ClinVar:

ClinVar aggregate classification (germline): Uncertain significance (1 of 4 stars; one submission).

gnomAD v4.1: 2 of 1,196,567 alleles (0.00017%); highest among the groups gnomAD compares: African/African-American, 0.0035%; no homozygotes.

Submission:

Labcorp Genetics (formerly Invitae), Labcorp
Classification: Uncertain significance. Last evaluated: 2025-03-18. Review status: criteria provided, single submitter. Criteria: Invitae Variant Classification Sherloc (09022015). Collection method: clinical testing. Allele origin: germline.
Comment: This sequence change replaces arginine, which is basic and polar, with glutamine, which is neutral and polar, at codon 757 of the DRP2 protein (p.Arg757Gln). This variant is not present in population databases (gnomAD no frequency). This variant has not been reported in the literature in individuals affected with DRP2-related conditions. An algorithm developed to predict the effect of missense changes on protein structure and function (PolyPhen-2) suggests that this variant is likely to be tolerated. In summary, the available evidence is currently insufficient to determine the role of this variant in disease. Therefore, it has been classified as a Variant of Uncertain Significance.

NM_001939.3(DRP2):c.2270G>A (p.Arg757Gln)

Gene: DRP2 (dystrophin related protein 2; plus strand). Cytogenetic location: Xq22.1.
Variant type: single nucleotide variant.
Coding change: c.2270G>A on transcript NM_001939.3 (MANE Select); coding-DNA position 2270, G replaced by A.
Protein change: p.Arg757Gln; replaces arginine 757 with glutamine.
Molecular consequence: missense variant.
Genome position (GRCh38, 1-based): chrX:101,256,141, G>A. VCF-style: chrX-101256141-G-A. GRCh37 (hg19) VCF-style: chrX-100511130-G-A.
Other names: c.2036G>A, p.Arg679Gln (NM_001171184.2); short protein forms R679Q, R757Q.
Identifiers: ClinVar variation 4702563 (VCV004702563.1).